The following is an entry in ClinVar:

ClinVar aggregate classification (germline): Likely benign. Review status: criteria provided, multiple submitters, no conflicts (2 of 4 stars). 2 submissions from 2 submitters: Likely benign (2). Last evaluated 2025-12-03.

Conditions:
RAI1-related disorder. Also called: RAI1-related condition.

Allele frequency attached by ClinVar (database versions not stated): ExAC 0.00001; gnomAD exomes 0.00001.
gnomAD v4.1: 8 of 1,613,584 alleles (0.0005%); highest among the groups gnomAD compares: Middle Eastern, 0.016%; no homozygotes.

Submissions (2):

PreventionGenetics, part of Exact Sciences
Classification: Likely benign for RAI1-related condition. Last evaluated: 2025-12-03. Review status: criteria provided, single submitter. Criteria: ACMG Guidelines, 2015. Collection method: clinical testing. Allele origin: germline.
Comment: This variant is classified as likely benign based on ACMG/AMP sequence variant interpretation guidelines (Richards et al. 2015 PMID: 25741868, with internal and published modifications).

Labcorp Genetics (formerly Invitae), Labcorp
Classification: Likely benign. Last evaluated: 2024-01-08. Review status: criteria provided, single submitter. Criteria: Invitae Variant Classification Sherloc (09022015). Collection method: clinical testing. Allele origin: germline.

NM_030665.4(RAI1):c.3468C>T (p.Phe1156=)

Gene: RAI1 (retinoic acid induced 1; plus strand). Cytogenetic location: 17p11.2.
Variant type: single nucleotide variant.
Coding change: c.3468C>T on transcript NM_030665.4 (MANE Select); coding-DNA position 3468, C replaced by T.
Protein change: p.Phe1156=; no amino-acid change (phenylalanine 1156 retained).
Molecular consequence: synonymous variant.
Genome position (GRCh38, 1-based): chr17:17,796,416, C>T. VCF-style: chr17-17796416-C-T. GRCh37 (hg19) VCF-style: chr17-17699730-C-T.
Other names: c.3468C>T (NM_030665.3).
Identifiers: ClinVar variation 1624811 (VCV001624811.9), dbSNP rs776165956, ClinGen allele CA8418725.